The following is an entry in ClinVar:

NM_000051.3:c.3292_3293insAlu

Gene: ATM (ATM serine/threonine kinase; plus strand). Cytogenetic location: 11q22.3.
Variant type: Insertion.
Identifiers: ClinVar variation 870304 (VCV000870304.1).

ClinVar aggregate classification (germline): Pathogenic (1 of 4 stars; one submission).

Conditions:
Ataxia-telangiectasia syndrome (AT). Also called: Cerebello-oculocutaneous telangiectasia; Immunodeficiency with ataxia telangiectasia; Ataxia-telangiectasia, complementation group D; AT, COMPLEMENTATION GROUP C; Ataxia-telangiectasia; LOUIS-BAR SYNDROME. Identifiers: Orphanet 100, MedGen C0004135, MONDO:0008840, OMIM 208900.

Submission:

Labcorp Genetics (formerly Invitae), Labcorp
Classification: Pathogenic for Ataxia-telangiectasia syndrome. Last evaluated: 2019-11-11. Review status: criteria provided, single submitter. Criteria: Invitae Variant Classification Sherloc (09022015). Collection method: clinical testing. Allele origin: germline.
Comment: This sequence change inserts a large fragment of DNA, likely a transposable element, in exon 23 of the ATM gene (c.3292_3293insAlu), causing a frameshift at codon 1097 (p.Phe1097fs). The exact size and sequence of the insertion cannot be determined by the current assay. However, the insertion is expected to result in an absent or disrupted protein product. This variant has not been reported in the literature in individuals with ATM-related conditions. Retrotransposon insertions including LINE1 (L1), Alu, and SVA (SINE-VNTR-Alu) have been reported to be disease-causing through disruption of either a coding region or splice site (PMID: 19763152, 20307669, 22406018) and loss-of-function variants in ATM are known to be pathogenic (PMID: 23807571, 25614872). For these reasons, this variant has been classified as Pathogenic.

Literature cited by the submitters: PubMed 25614872; PubMed 20307669; PubMed 22406018; PubMed 23807571; PubMed 19763152.